The following is an entry in ClinVar:

ClinVar aggregate classification (germline): Benign (1 of 4 stars; one submission).

Submission:

CeGaT Center for Human Genetics Tuebingen
Classification: Benign. Last evaluated: 2026-02-01. Review status: criteria provided, single submitter. Criteria: CeGaT Center For Human Genetics Tuebingen Variant Classification Criteria Version 2. Collection method: clinical testing. Allele origin: germline. Affected: yes. Observed: 1 variant allele.
Comment: LRRC32: BS1, BS2

NM_001128922.2(LRRC32):c.-27del

Gene: LRRC32 (leucine rich repeat containing 32; minus strand). Cytogenetic location: 11q13.5.
Variant type: Deletion.
Coding change: c.-27del on transcript NM_001128922.2 (MANE Select); 27 bases upstream of the start codon, one base deleted (G; older notation c.-27delG).
Molecular consequence: 5 prime UTR variant.
Genome position (GRCh38, 1-based): chr11:76,670,636, C deleted on the plus strand (G on the coding strand, the reverse complement: LRRC32 is on the minus strand); the first of 2 consecutive C bases (chr11:76,670,636-76,670,637); deleting either gives the same sequence. VCF-style (leftmost placement, unchanged base first): chr11-76670635-TC-T. GRCh37 (hg19) VCF-style: chr11-76381679-TC-T.
Other names: c.-27del (NM_001370187.1, NM_001370191.1); c.-269del (NM_001370190.1).
Identifiers: ClinVar variation 4822644 (VCV004822644.4).